The following is an entry in ClinVar:

ClinVar aggregate classification (germline): Likely benign (1 of 4 stars; one submission).

Submission:

Women's Health and Genetics/Laboratory Corporation of America, LabCorp
Classification: Likely benign. Last evaluated: 2024-01-08. Review status: criteria provided, single submitter. Criteria: LabCorp Variant Classification Summary - May 2015. Collection method: clinical testing. Allele origin: germline.
Comment: Variant summary: BRCA2 c.476-16delC alters a non-conserved nucleotide located at a position not widely known to affect splicing. Consensus agreement among computation tools predict no significant impact on normal splicing. However, these predictions have yet to be confirmed by functional studies. The variant was absent in 250658 control chromosomes (gnomAD). The available data on variant occurrences in the general population are insufficient to allow any conclusion about variant significance. To our knowledge, no occurrence of c.476-16delC in individuals affected with Prostate Cancer or other BRCA2-related disorders and no experimental evidence demonstrating its impact on protein function have been reported. No submitters have cited clinical-significance assessments for this variant to ClinVar. Based on the evidence outlined above, the variant was classified as likely benign.

NM_000059.4(BRCA2):c.476-16del

Gene: BRCA2 (BRCA2 DNA repair associated; plus strand). Cytogenetic location: 13q13.1.
Variant type: Deletion.
Coding change: c.476-16del on transcript NM_000059.4 (MANE Select); 16 bases into the intron before coding-DNA position 476, one base deleted (C; older notation c.476-16delC).
Molecular consequence: intron variant.
Genome position (GRCh38, 1-based): chr13:32,326,226, C deleted; the last of 4 consecutive C bases (chr13:32,326,223-32,326,226); deleting any one gives the same sequence. VCF-style (leftmost placement, unchanged base first): chr13-32326222-TC-T. GRCh37 (hg19) VCF-style: chr13-32900359-TC-T.
Other names: c.476-16del (NM_001406720.1, NM_001406719.1, NM_001406721.1); c.107-16del (NM_001406722.1); c.476-16delC (NM_000059.4).
Identifiers: ClinVar variation 3063797 (VCV003063797.1), dbSNP rs2548515129, ClinGen allele CA2740097659.
Genomic context (GRCh38, chr13:32,326,222, plus strand): 5'-AACAATGCTTTTTATTCTTAGAATACTAGAAATGTTAATAAAAATAAAACTTAACAATTT[TC>T]CCCTTTTTTTACCCCCAGTGGTATGTGGGAGTTTGTTTCATACACCAAAGTTTGTGAAGG-3'